The following is an entry in ClinVar:

ClinVar aggregate classification (germline): drug response (0 of 4 stars; one submission).

Conditions:
Thalidomide response. Identifiers: MedGen CN297989.

gnomAD v4.1: 187,527 of 1,613,732 alleles (12%); highest among the groups gnomAD compares: Middle Eastern, 18%; 11,663 homozygotes.

Submission:

Rare Diseases Genetics and Genomics, Islamia College Peshawar
Classification: drug response for Thalidomide response. Review status: no assertion criteria provided. Collection method: research. Allele origin: germline. Affected: yes.
Comment: this variant was associated with non-response to thalidomide (not achieving transfusion independence)

NM_001017403.2(LGR6):c.2323G>A (p.Val775Met)

Gene: LGR6 (leucine rich repeat containing G protein-coupled receptor 6; plus strand). Cytogenetic location: 1q32.1.
Variant type: single nucleotide variant.
Coding change: c.2323G>A on transcript NM_001017403.2 (MANE Select); coding-DNA position 2323, G replaced by A.
Protein change: p.Val775Met; replaces valine 775 with methionine.
Molecular consequence: missense variant.
Genome position (GRCh38, 1-based): chr1:202,318,626, G>A. VCF-style: chr1-202318626-G-A. GRCh37 (hg19) VCF-style: chr1-202287754-G-A.
Other names: c.1906G>A, p.Val636Met (NM_001017404.2); c.2167G>A, p.Val723Met (NM_021636.3); short protein forms V636M, V723M, V775M.
Identifiers: ClinVar variation 3900034 (VCV003900034.1).